The following is an entry in ClinVar:

ClinVar aggregate classification (germline): Pathogenic. Review status: criteria provided, multiple submitters, no conflicts (2 of 4 stars). 3 submissions from 3 submitters: Pathogenic (2). 1 of the submissions does not count toward it. Last evaluated 2026-01-21.

Conditions:
PTPN11-related disorder. Also called: PTPN11-Related Disorders.
RASopathy. Also called: rasopathies; Noonan spectrum disorder. Identifiers: Orphanet 536391, MedGen C5555857, MONDO:0021060.

Submissions (3):

GeneDx
Classification: Pathogenic. Last evaluated: 2026-01-21. Review status: criteria provided, single submitter. Criteria: GeneDx Variant Classification Process June 2021. Collection method: clinical testing. Allele origin: germline.
Comment: Not observed at significant frequency in large population cohorts (gnomAD); In silico analysis supports that this missense variant has a deleterious effect on protein structure/function; Missense variants in this gene are a common cause of disease and they are underrepresented in the general population; This variant is associated with the following publications: (PMID: 24803665, 38023823, 38025540, 35617714, 29493581, 40616106, 35897075, 32561839, 32209330, 18954903, 12960218, 15001945, 15928039, 16358218, 18678287, 24754368, 25862627, 30417923, 33318624, 33683002, 21407260, Khanmohammadi2022[Article], 35875134, 33416891)

Blueprint Genetics
Classification: Pathogenic for PTPN11-related disorders. Last evaluated: 2022-10-31. Review status: criteria provided, single submitter. Criteria: ACMG Guidelines, 2015. Collection method: clinical testing. Allele origin: germline. Affected: yes. Observed: 2 variant alleles.

Baylor Genetics
Classification: Pathogenic for Rasopathy. Review status: no assertion criteria provided. Collection method: clinical testing. Allele origin: unknown. Affected: yes. Not counted in ClinVar's aggregate classification.
Comment: Variant classified using ACMG guidelines

NM_002834.5(PTPN11):c.1508G>C (p.Gly503Ala)

Gene: PTPN11 (protein tyrosine phosphatase non-receptor type 11; plus strand). Cytogenetic location: 12q24.13.
Variant type: single nucleotide variant.
Coding change: c.1508G>C on transcript NM_002834.5 (MANE Select); coding-DNA position 1508, G replaced by C.
Protein change: p.Gly503Ala; replaces glycine 503 with alanine.
Molecular consequence: missense variant.
Genome position (GRCh38, 1-based): chr12:112,489,084, G>C. VCF-style: chr12-112489084-G-C. GRCh37 (hg19) VCF-style: chr12-112926888-G-C.
Other names: c.1520G>C, p.Gly507Ala (NM_001330437.2); c.1505G>C, p.Gly502Ala (NM_001374625.1); short protein forms G503A, G507A, G502A.
Identifiers: ClinVar variation 162464 (VCV000162464.3), dbSNP rs397507546, ClinGen allele CA250293.